The following is an entry in ClinVar:

NM_007294.4(BRCA1):c.5483del (p.Cys1828fs)

Gene: BRCA1 (BRCA1 DNA repair associated; minus strand). Cytogenetic location: 17q21.31.
Variant type: Deletion.
Coding change: c.5483del on transcript NM_007294.4 (MANE Select); coding-DNA position 5483, one base deleted (G; older notation c.5483delG).
Protein change: p.Cys1828fs; shifts the reading frame from cysteine 1828.
Molecular consequence: frameshift variant. On other transcripts: stop lost (16), non-coding transcript variant (1).
Genome position (GRCh38, 1-based): chr17:43,045,787, C deleted on the plus strand (G on the coding strand, the reverse complement: BRCA1 is on the minus strand). VCF-style (leftmost placement, unchanged base first): chr17-43045786-AC-A. GRCh37 (hg19) VCF-style: chr17-41197803-AC-A.
Other names: 5602delG; c.5336delG, p.Cys1779Leufs (NM_001407851.1, NM_001407852.1, NM_001407853.1 and 12 more transcripts); c.5409delG, p.Ter1804Glufs (NM_001407854.1); c.5406delG, p.Ter1803Glufs (NM_001407858.1, NM_001407859.1, NM_001407860.1); c.5403delG, p.Ter1802Glufs (NM_001407861.1); c.5282delG, p.Cys1761Leufs (NM_001407862.1); c.5279delG, p.Cys1760Leufs (NM_001407863.1); c.5276delG, p.Cys1759Leufs (NM_001407874.1, NM_001407875.1); and 87 more; short protein forms C1828fs, C724fs, C1849fs, C1781fs.
Identifiers: ClinVar variation 55593 (VCV000055593.8), dbSNP rs397509288, ClinGen allele CA003652.

ClinVar aggregate classification (germline): Pathogenic. Review status: reviewed by expert panel (3 of 4 stars). 3 submissions from 3 submitters: Pathogenic (1). 2 of the submissions do not count toward it. Last evaluated 2016-10-18.

Conditions:
Breast-ovarian cancer, familial, susceptibility to, 1 (BROVCA1). Also called: BRCA1 Hereditary Breast and Ovarian Cancer; OVARIAN CANCER, SUSCEPTIBILITY TO. Identifiers: Orphanet 145, MedGen C2676676, MONDO:0011450, OMIM 604370. Disease mechanism: loss of function.

Submissions (3):

Evidence-based Network for the Interpretation of Germline Mutant Alleles (ENIGMA)
Classification: Pathogenic for Breast-ovarian cancer, familial, susceptibility to, 1. Last evaluated: 2016-10-18. Review status: reviewed by expert panel. Criteria: ENIGMA BRCA1/2 Classification Criteria (2015). Collection method: curation. Allele origin: germline.
Comment: Variant allele predicted to encode a truncated non-functional protein.

Quest Diagnostics Nichols Institute San Juan Capistrano
Classification: Likely pathogenic. Last evaluated: 2016-09-27. Review status: criteria provided, single submitter. Criteria: Quest Diagnostics criteria. Collection method: clinical testing. Allele origin: germline. Not counted in ClinVar's aggregate classification.

Consortium of Investigators of Modifiers of BRCA1/2 (CIMBA), c/o University of Cambridge
Classification: Pathogenic for Breast-ovarian cancer, familial, susceptibility to, 1. Last evaluated: 2015-10-02. Review status: criteria provided, single submitter. Criteria: CIMBA Mutation Classification guidelines May 2016. Collection method: clinical testing. Allele origin: germline. Not counted in ClinVar's aggregate classification.

Literature cited by the submitters: PubMed 22798144 (cited by Quest Diagnostics Nichols Institute San Juan Capistrano); PubMed 25863477 (cited by Quest Diagnostics Nichols Institute San Juan Capistrano).